The following is an entry in ClinVar:

NM_024407.5(NDUFS7):c.154G>A (p.Val52Met)

Gene: NDUFS7 (NADH:ubiquinone oxidoreductase core subunit S7; plus strand). Cytogenetic location: 19p13.3.
Variant type: single nucleotide variant.
Coding change: c.154G>A on transcript NM_024407.5 (MANE Select); coding-DNA position 154, G replaced by A.
Protein change: p.Val52Met; replaces valine 52 with methionine.
Molecular consequence: missense variant.
Genome position (GRCh38, 1-based): chr19:1,388,864, G>A. VCF-style: chr19-1388864-G-A. GRCh37 (hg19) VCF-style: chr19-1388863-G-A.
Other names: c.154G>A, p.Val52Met (NM_001363602.2); short protein forms V52M.
Identifiers: ClinVar variation 1397894 (VCV001397894.5), dbSNP rs757717527, ClinGen allele CA9043131.

ClinVar aggregate classification (germline): Conflicting classifications of pathogenicity. Review status: criteria provided, conflicting classifications (1 of 4 stars). 3 submissions from 3 submitters: Uncertain significance (2); Likely benign (1). Last evaluated 2024-07-31.

Conditions:
Inborn genetic diseases. Identifiers: MedGen C0950123, MeSH D030342.

Allele frequency attached by ClinVar (database versions not stated): ExAC 0.00006; gnomAD exomes 0.00004; TOPMed 0.00004.

Submissions (3):

Ambry Genetics
Classification: Likely benign for Inborn genetic diseases. Last evaluated: 2024-07-31. Review status: criteria provided, single submitter. Criteria: Ambry Variant Classification Scheme 2023. Collection method: clinical testing. Allele origin: germline.

GeneDx
Classification: Uncertain significance. Last evaluated: 2022-09-16. Review status: criteria provided, single submitter. Criteria: GeneDx Variant Classification Process June 2021. Collection method: clinical testing. Allele origin: germline. Affected: yes.
Comment: In silico analysis supports that this missense variant does not alter protein structure/function; Has not been previously published as pathogenic or benign to our knowledge

Labcorp Genetics (formerly Invitae), Labcorp
Classification: Uncertain significance. Last evaluated: 2021-12-02. Review status: criteria provided, single submitter. Criteria: Invitae Variant Classification Sherloc (09022015). Collection method: clinical testing. Allele origin: germline.
Comment: This sequence change replaces valine, which is neutral and non-polar, with methionine, which is neutral and non-polar, at codon 52 of the NDUFS7 protein (p.Val52Met). This variant is present in population databases (rs757717527, gnomAD 0.02%). This variant has not been reported in the literature in individuals affected with NDUFS7-related conditions. Algorithms developed to predict the effect of missense changes on protein structure and function output the following: SIFT: "Tolerated"; PolyPhen-2: "Benign"; Align-GVGD: "Class C0". The methionine amino acid residue is found in multiple mammalian species, which suggests that this missense change does not adversely affect protein function. In summary, the available evidence is currently insufficient to determine the role of this variant in disease. Therefore, it has been classified as a Variant of Uncertain Significance.